The following is an entry in ClinVar:

NM_000414.4(HSD17B4):c.1699G>A (p.Val567Ile)

Gene: HSD17B4 (hydroxysteroid 17-beta dehydrogenase 4; plus strand). Cytogenetic location: 5q23.1.
Variant type: single nucleotide variant.
Coding change: c.1699G>A on transcript NM_000414.4 (MANE Select); coding-DNA position 1699, G replaced by A.
Protein change: p.Val567Ile; replaces valine 567 with isoleucine.
Molecular consequence: missense variant. On other transcripts: non-coding transcript variant (2).
Genome position (GRCh38, 1-based): chr5:119,527,151, G>A. VCF-style: chr5-119527151-G-A. GRCh37 (hg19) VCF-style: chr5-118862846-G-A.
Other names: c.1774G>A, p.Val592Ile (NM_001199291.3); c.1645G>A, p.Val549Ile (NM_001199292.2); c.1627G>A, p.Val543Ile (NM_001292027.2, NM_001374498.1); c.1279G>A, p.Val427Ile (NM_001292028.2); c.1690G>A, p.Val564Ile (NM_001374497.1); c.1372G>A, p.Val458Ile (NM_001374499.1); c.1258G>A, p.Val420Ile (NM_001374500.1); c.1288G>A, p.Val430Ile (NM_001374501.1, NM_001374502.1, NM_001374503.1); short protein forms V430I, V564I, V549I, V592I, V420I, V458I, V567I, V427I.
Identifiers: ClinVar variation 1436394 (VCV001436394.7), dbSNP rs775795599, ClinGen allele CA3382369.
Genomic context (GRCh38, chr5:119,527,151, plus strand): 5'-TTCCTTTTAAAACATTTTTAACCCCACAATTCTTTTTTAAAGGCTCGTTTTGCAAAACCA[G>A]TATATCCAGGACAAACTCTACAAACTGAGATGTGGAAGGAAGGAAACAGAATTCATTTTC-3'
Protein context (NP_000405.1, residues 557-577): KAIKARFAKP[Val567Ile]YPGQTLQTEM

ClinVar aggregate classification (germline): Uncertain significance (1 of 4 stars; one submission).

Conditions:
Bifunctional peroxisomal enzyme deficiency (DBIF). Also called: DBP DEFICIENCY; PBFE DEFICIENCY; D-bifunctional protein deficiency. Identifiers: Orphanet 300, MedGen C0342870, MONDO:0009855, OMIM 261515. Disease mechanism: loss of function.
Perrault syndrome. Also called: Gonadal dysgenesis with auditory dysfunction, autosomal recessive inheritance. Identifiers: Orphanet 2855, MedGen C0685838, MONDO:0017312.

Allele frequency attached by ClinVar (database versions not stated): gnomAD 0.00001; gnomAD exomes 0.00001; ExAC 0.00002.
gnomAD v4.1: 8 of 1,602,052 alleles (0.0005%); highest among the groups gnomAD compares: Admixed American, 0.0017%; no homozygotes.

Submission:

Labcorp Genetics (formerly Invitae), Labcorp
Classification: Uncertain significance for Perrault syndrome; Bifunctional peroxisomal enzyme deficiency. Last evaluated: 2024-02-24. Review status: criteria provided, single submitter. Criteria: Invitae Variant Classification Sherloc (09022015). Collection method: clinical testing. Allele origin: germline.
Comment: This sequence change replaces valine, which is neutral and non-polar, with isoleucine, which is neutral and non-polar, at codon 567 of the HSD17B4 protein (p.Val567Ile). This variant is present in population databases (rs775795599, gnomAD 0.003%). This variant has not been reported in the literature in individuals affected with HSD17B4-related conditions. ClinVar contains an entry for this variant (Variation ID: 1436394). Advanced modeling of protein sequence and biophysical properties (such as structural, functional, and spatial information, amino acid conservation, physicochemical variation, residue mobility, and thermodynamic stability) performed at Invitae indicates that this missense variant is expected to disrupt HSD17B4 protein function with a positive predictive value of 80%. In summary, the available evidence is currently insufficient to determine the role of this variant in disease. Therefore, it has been classified as a Variant of Uncertain Significance.